The following is an entry in ClinVar:

NM_001302371.3(NBPF10):c.10782G>A (p.Gln3594=)

Gene: NBPF10 (NBPF member 10; minus strand). Cytogenetic location: 1q21.1.
Variant type: single nucleotide variant.
Coding change: c.10782G>A on transcript NM_001302371.3 (MANE Select); coding-DNA position 10782, G replaced by A.
Protein change: p.Gln3594=; no amino-acid change (glutamine 3594 retained).
Molecular consequence: synonymous variant.
Genome position (GRCh38, 1-based): chr1:146,069,571, C>T on the plus strand (G>A on the coding strand, the complement: NBPF10 is on the minus strand). VCF-style: chr1-146069571-C-T. GRCh37 (hg19) VCF-style: chr1-145365431-G-A.
Other names: c.10275G>A, p.Gln3425= (NM_001039703.6).
Identifiers: ClinVar variation 2639104 (VCV002639104.24), dbSNP rs587678061, ClinGen allele CA1052990.

ClinVar aggregate classification (germline): Likely benign (1 of 4 stars; one submission).

Allele frequency attached by ClinVar (database versions not stated): gnomAD 0.00008; gnomAD exomes 0.00011; 1000 Genomes Project 30x 0.00016; 1000 Genomes Project 0.00020.
gnomAD v4.1: 135 of 1,239,820 alleles (0.011%); highest among the groups gnomAD compares: Non-Finnish European, 0.013%; 4 homozygotes.

Submission:

CeGaT Center for Human Genetics Tuebingen
Classification: Likely benign. Last evaluated: 2023-06-01. Review status: criteria provided, single submitter. Criteria: CeGaT Center For Human Genetics Tuebingen Variant Classification Criteria Version 2. Collection method: clinical testing. Allele origin: germline. Affected: yes. Observed: 1 variant allele.
Comment: NBPF10: BP4, BP7, BS2